The following is an entry in ClinVar:

ClinVar aggregate classification (germline): Pathogenic (1 of 4 stars; one submission).

Conditions:
LAMA2-related muscular dystrophy (LAMA2-RD). Also called: Laminin alpha 2-related dystrophy. Identifiers: MedGen C5679788, MONDO:0100228.

Submission:

Labcorp Genetics (formerly Invitae), Labcorp
Classification: Pathogenic for LAMA2-related muscular dystrophy. Last evaluated: 2025-08-11. Review status: criteria provided, single submitter. Criteria: Invitae Variant Classification Sherloc (09022015). Collection method: clinical testing. Allele origin: germline.
Comment: This sequence change creates a premature translational stop signal (p.Asn1478Thrfs*117) in the LAMA2 gene. It is expected to result in an absent or disrupted protein product. Loss-of-function variants in LAMA2 are known to be pathogenic (PMID: 18700894, 32904964). This variant is not present in population databases (gnomAD no frequency). This variant has not been reported in the literature in individuals affected with LAMA2-related conditions. For these reasons, this variant has been classified as Pathogenic.

Literature cited by the submitters: PubMed 18700894; PubMed 32904964.

NM_000426.4(LAMA2):c.4433del (p.Asn1478fs)

Gene: LAMA2 (laminin subunit alpha 2; plus strand). Cytogenetic location: 6q22.33.
Variant type: Deletion.
Coding change: c.4433del on transcript NM_000426.4 (MANE Select); coding-DNA position 4433, one base deleted (A; older notation c.4433delA).
Protein change: p.Asn1478fs; shifts the reading frame from asparagine 1478.
Molecular consequence: frameshift variant.
Genome position (GRCh38, 1-based): chr6:129,342,464, A deleted; the last of 2 consecutive A bases (chr6:129,342,463-129,342,464); deleting either gives the same sequence. VCF-style (leftmost placement, unchanged base first): chr6-129342462-TA-T. GRCh37 (hg19) VCF-style: chr6-129663607-TA-T.
Other names: c.4433del, p.Asn1478fs (NM_001079823.2); short protein forms N1478fs.
Identifiers: ClinVar variation 4725267 (VCV004725267.1).